The following is an entry in ClinVar:

NM_001165963.4(SCN1A):c.4378T>G (p.Tyr1460Asp)

Genes: SCN1A (sodium voltage-gated channel alpha subunit 1; minus strand), LOC102724058 (uncharacterized LOC102724058; plus strand). Cytogenetic location: 2q24.3.
Variant type: single nucleotide variant.
Coding change: c.4378T>G on transcript NM_001165963.4 (MANE Select); coding-DNA position 4378, T replaced by G.
Protein change: p.Tyr1460Asp; replaces tyrosine 1460 with aspartic acid.
Molecular consequence: missense variant. On other transcripts: non-coding transcript variant (1).
Genome position (GRCh38, 1-based): chr2:165,998,136, A>C on the plus strand (T>G on the coding strand, the complement: SCN1A is on the minus strand). VCF-style: chr2-165998136-A-C. GRCh37 (hg19) VCF-style: chr2-166854646-A-C.
Other names: c.4294T>G, p.Tyr1432Asp (NM_001165964.3, NM_001353957.2, NM_001353958.2); c.4378T>G, p.Tyr1460Asp (NM_001202435.3, NM_001353948.2); c.4345T>G, p.Tyr1449Asp (NM_001353949.2, NM_001353950.2, NM_001353951.2 and 2 more transcripts); c.4342T>G, p.Tyr1448Asp (NM_001353954.2, NM_001353955.2); c.4291T>G, p.Tyr1431Asp (NM_001353960.2); c.1936T>G, p.Tyr646Asp (NM_001353961.2); short protein forms Y1431D, Y1460D, Y646D, Y1432D, Y1448D, Y1449D.
Identifiers: ClinVar variation 1361552 (VCV001361552.10), dbSNP rs1573984593, ClinGen allele CA349049424.
Genomic context (GRCh38, chr2:165,998,136, plus strand): 5'-CAATAAACAGGTTCAAGGTGAAGAAGGACCCAAAGATGATGAAAATAACAAAGTAAAGAT[A>C]CATGTACAGACTTTCTTCATACTTAGGCTGGAGTTCCACCTACCAAAGGGGAATATTTTG-3'
Protein context (NP_001159435.1, residues 1450-1470): QPKYEESLYM[Tyr1460Asp]LYFVIFIIFG

ClinVar aggregate classification (germline): Conflicting classifications of pathogenicity. Review status: criteria provided, conflicting classifications (1 of 4 stars). 2 submissions from 2 submitters: Likely pathogenic (1); Uncertain significance (1). Last evaluated 2024-04-25.

Conditions:
Developmental and epileptic encephalopathy 6B. Also called: Developmental and epileptic encephalopathy 6B, non-Dravet. Identifiers: MedGen C5543353, MONDO:0030268, OMIM 619317.
Early-infantile DEE. Also called: Early infantile epileptic encephalopathy with suppression bursts; Ohtahara syndrome; Early infantile epileptic encephalopathy. Identifiers: Orphanet 1934, MedGen C0393706, MONDO:0800491.

Allele frequency attached by ClinVar (database versions not stated): gnomAD 0.00001.
gnomAD v4.1: 1 of 1,606,054 alleles (0.000062%); highest among the groups gnomAD compares: East Asian, 0.0022%; no homozygotes.

Submissions (2):

Labcorp Genetics (formerly Invitae), Labcorp
Classification: Likely pathogenic for Early-infantile DEE. Last evaluated: 2024-04-25. Review status: criteria provided, single submitter. Criteria: Invitae Variant Classification Sherloc (09022015). Collection method: clinical testing. Allele origin: germline.
Comment: This sequence change replaces tyrosine, which is neutral and polar, with aspartic acid, which is acidic and polar, at codon 1460 of the SCN1A protein (p.Tyr1460Asp). This variant is not present in population databases (gnomAD no frequency). This variant has not been reported in the literature in individuals affected with SCN1A-related conditions. ClinVar contains an entry for this variant (Variation ID: 1361552). Advanced modeling of protein sequence and biophysical properties (such as structural, functional, and spatial information, amino acid conservation, physicochemical variation, residue mobility, and thermodynamic stability) performed at Invitae indicates that this missense variant is expected to disrupt SCN1A protein function with a positive predictive value of 95%. This variant disrupts the p.Tyr1460 amino acid residue in SCN1A. Other variant(s) that disrupt this residue have been determined to be pathogenic (PMID: 36229510). This suggests that this residue is clinically significant, and that variants that disrupt this residue are likely to be disease-causing. In summary, the currently available evidence indicates that the variant is pathogenic, but additional data are needed to prove that conclusively. Therefore, this variant has been classified as Likely Pathogenic.

Neuberg Centre For Genomic Medicine, NCGM
Classification: Uncertain significance for Developmental and epileptic encephalopathy 6B. Review status: criteria provided, single submitter. Criteria: ACMG Guidelines, 2015. Collection method: clinical testing. Allele origin: germline. Inheritance: Autosomal dominant inheritance. Affected: yes.
Comment: The missense c.4378T>Gp.Tyr1460Asp variant in SCN1A gene has not been reported previously as a pathogenic variant nor as a benign variant, to our knowledge. The p.Tyr1460Asp variant is novel not in any individuals in gnomAD Exomes and 1000 Genomes. This variant has been reported to the ClinVar database as Uncertain significance. Another missense variant in the same codon c.4379A>G, p.Tyr1460Cys is reported to be disease-causing Plumereau Q, et. al., 2022. The amino acid change p.Tyr1460Asp in SCN1A is predicted as conserved by GERP++ and PhyloP across 100 vertebrates. The amino acid Tyr at position 1460 is changed to a Asp changing protein sequence and it might alter its composition and physico-chemical properties. For these reasons, this variant has been classified as Variant of Uncertain Significance VUS.

Literature cited by the submitters: PubMed 36229510 (cited by Labcorp Genetics (formerly Invitae), Labcorp).